The following is an entry in ClinVar:

ClinVar aggregate classification (germline): Uncertain significance. Review status: criteria provided, multiple submitters, no conflicts (2 of 4 stars). 2 submissions from 2 submitters: Uncertain significance (2). Last evaluated 2024-10-23.

Submissions (2):

Blueprint Genetics
Classification: Uncertain significance. Last evaluated: 2024-10-23. Review status: criteria provided, single submitter. Criteria: ACMG Guidelines, 2015. Collection method: clinical testing. Allele origin: germline.

Labcorp Genetics (formerly Invitae), Labcorp
Classification: Uncertain significance. Last evaluated: 2022-09-30. Review status: criteria provided, single submitter. Criteria: Invitae Variant Classification Sherloc (09022015). Collection method: clinical testing. Allele origin: germline.
Comment: This variant, c.1_30dup, results in the insertion of 10 amino acid(s) of the GRM6 protein (p.Met1_Pro10dup), but otherwise preserves the integrity of the reading frame. This variant is not present in population databases (gnomAD no frequency). This variant has not been reported in the literature in individuals affected with GRM6-related conditions. ClinVar contains an entry for this variant (Variation ID: 940964). In summary, the available evidence is currently insufficient to determine the role of this variant in disease. Therefore, it has been classified as a Variant of Uncertain Significance.

NM_000843.4(GRM6):c.1_30dup (p.Met1_Pro10dup)

Gene: GRM6 (glutamate metabotropic receptor 6; minus strand). Cytogenetic location: 5q35.3.
Variant type: Duplication.
Coding change: c.1_30dup on transcript NM_000843.4 (MANE Select); coding-DNA positions 1 to 30, 30 bases duplicated (ATGGCGCGGCCCCGGAGAGCCCGGGAGCCG).
Protein change: p.Met1_Pro10dup.
Molecular consequence: inframe insertion, initiator codon variant.
Genome position (GRCh38, 1-based): chr5:178,994,915-178,994,944, CGGCTCCCGGGCTCTCCGGGGCCGCGCCAT duplicated on the plus strand (ATGGCGCGGCCCCGGAGAGCCCGGGAGCCG on the coding strand, the reverse complement: GRM6 is on the minus strand); duplicating any 30 consecutive bases within chr5:178,994,915-178,994,950 gives the same sequence; the c. name uses the placement nearest the transcript's 3' end. VCF-style (leftmost placement, unchanged base first): chr5-178994914-G-GCGGCTCCCGGGCTCTCCGGGGCCGCGCCAT. GRCh37 (hg19) VCF-style: chr5-178421915-G-GCGGCTCCCGGGCTCTCCGGGGCCGCGCCAT.
Identifiers: ClinVar variation 940964 (VCV000940964.5), dbSNP rs1760747346, ClinGen allele CA913108692.